The following is an entry in ClinVar:

ClinVar aggregate classification (germline): Likely pathogenic. Review status: criteria provided, single submitter (1 of 4 stars). 3 submissions from 3 submitters: Likely pathogenic (1). 2 of the submissions do not count toward it. Last evaluated 2026-06-01.

Conditions:
Charcot-Marie-Tooth disease. Also called: Charcot-Marie-Tooth Hereditary Neuropathy; Charcot-Marie-Tooth Neuropathy. Identifiers: Orphanet 166, MedGen C0007959, MONDO:0015626.
Charcot-Marie-Tooth disease X-linked dominant 1. Also called: X-linked Charcot-Marie-Tooth disease type 1; Charcot-Marie-Tooth Neuropathy X Type 1; CHARCOT-MARIE-TOOTH NEUROPATHY, X-LINKED, 1; CHARCOT-MARIE-TOOTH PERONEAL MUSCULAR ATROPHY, X-LINKED; HEREDITARY MOTOR AND SENSORY NEUROPATHY, X-LINKED; HMSN, X-LINKED. Identifiers: Orphanet 101075, MedGen C0393808, MONDO:0010549, OMIM 302800.

Submissions (3):

CeGaT Center for Human Genetics Tuebingen
Classification: Likely pathogenic. Last evaluated: 2026-06-01. Review status: criteria provided, single submitter. Criteria: CeGaT Center For Human Genetics Tuebingen Variant Classification Criteria Version 2. Collection method: clinical testing. Allele origin: germline. Affected: yes. Observed: 1 variant allele.
Comment: GJB1: PM2, PM5, PS4:Moderate, PP2

GeneReviews
No classification provided. Condition: Charcot-Marie-Tooth disease X-linked dominant 1. Review status: no classification provided. Collection method: literature only. Allele origin: unknown. Not counted in ClinVar's aggregate classification.

Inherited Neuropathy Consortium
Classification: Uncertain significance for Charcot-Marie-Tooth disease. Review status: no assertion criteria provided. Collection method: literature only. Allele origin: germline. Affected: yes. Not counted in ClinVar's aggregate classification.

Literature cited by the submitters: PubMed 20301548 (cited by GeneReviews); NCBI Bookshelf NBK1374 (cited by GeneReviews); PubMed 12207932 (cited by Inherited Neuropathy Consortium).

NM_000166.6(GJB1):c.145T>C (p.Ser49Pro)

Gene: GJB1 (gap junction protein beta 1; plus strand). Cytogenetic location: Xq13.1.
Variant type: single nucleotide variant.
Coding change: c.145T>C on transcript NM_000166.6 (MANE Select); coding-DNA position 145, T replaced by C.
Protein change: p.Ser49Pro; replaces serine 49 with proline.
Molecular consequence: missense variant.
Genome position (GRCh38, 1-based): chrX:71,223,852, T>C. VCF-style: chrX-71223852-T-C. GRCh37 (hg19) VCF-style: chrX-70443702-T-C.
Other names: c.145T>C, p.Ser49Pro (NM_001097642.3); short protein forms S49P.
Identifiers: ClinVar variation 21080 (VCV000021080.6), dbSNP rs116840817, ClinGen allele CA341595.